The following is an entry in ClinVar:

ClinVar aggregate classification (germline): Uncertain significance. Review status: criteria provided, multiple submitters, no conflicts (2 of 4 stars). 2 submissions from 2 submitters: Uncertain significance (2). Last evaluated 2025-08-19.

Submissions (2):

Labcorp Genetics (formerly Invitae), Labcorp
Classification: Uncertain significance. Last evaluated: 2025-08-19. Review status: criteria provided, single submitter. Criteria: Invitae Variant Classification Sherloc (09022015). Collection method: clinical testing. Allele origin: germline.
Comment: This sequence change replaces proline, which is neutral and non-polar, with leucine, which is neutral and non-polar, at codon 455 of the COL11A1 protein (p.Pro455Leu). This variant is not present in population databases (gnomAD no frequency). This variant has not been reported in the literature in individuals affected with COL11A1-related conditions. Invitae Evidence Modeling of protein sequence and biophysical properties (such as structural, functional, and spatial information, amino acid conservation, physicochemical variation, residue mobility, and thermodynamic stability) indicates that this missense variant is not expected to disrupt COL11A1 protein function with a negative predictive value of 80%. In summary, the available evidence is currently insufficient to determine the role of this variant in disease. Therefore, it has been classified as a Variant of Uncertain Significance.

Blueprint Genetics
Classification: Uncertain significance. Last evaluated: 2023-02-02. Review status: criteria provided, single submitter. Criteria: ACMG Guidelines, 2015. Collection method: clinical testing. Allele origin: germline.

NM_001854.4(COL11A1):c.1364C>T (p.Pro455Leu)

Gene: COL11A1 (collagen type XI alpha 1 chain; minus strand). Cytogenetic location: 1p21.1.
Variant type: single nucleotide variant.
Coding change: c.1364C>T on transcript NM_001854.4 (MANE Select); coding-DNA position 1364, C replaced by T.
Protein change: p.Pro455Leu; replaces proline 455 with leucine.
Molecular consequence: missense variant. On other transcripts: non-coding transcript variant (1).
Genome position (GRCh38, 1-based): chr1:103,017,869, G>A on the plus strand (C>T on the coding strand, the complement: COL11A1 is on the minus strand). VCF-style: chr1-103017869-G-A. GRCh37 (hg19) VCF-style: chr1-103483425-G-A.
Other names: c.1247C>T, p.Pro416Leu (NM_001190709.2); c.1400C>T, p.Pro467Leu (NM_080629.3); c.1016C>T, p.Pro339Leu (NM_080630.4); short protein forms P339L, P455L, P416L, P467L.
Identifiers: ClinVar variation 4717216 (VCV004717216.2).